The following is an entry in ClinVar:

ClinVar aggregate classification (germline): Uncertain significance. Review status: criteria provided, multiple submitters, no conflicts (2 of 4 stars). 2 submissions from 2 submitters: Uncertain significance (2). Last evaluated 2025-06-06.

Conditions:
Developmental and epileptic encephalopathy, 1 (DEE1). Also called: X-linked infantile spasms; West's syndrome; Tonic spasms with clustering, arrest of psychomotor development and hypsarrhythmia on EEG; X-Linked Infantile Spasm Syndrome; Epileptic encephalopathy, early infantile, 1; INFANTILE SPASM SYNDROME, X-LINKED 1. Identifiers: MedGen C3463992, MONDO:0010632, OMIM 308350. Disease mechanism: loss of function.
Autosomal recessive spinocerebellar ataxia 12. Also called: SPINOCEREBELLAR ATAXIA WITH MENTAL RETARDATION AND EPILEPSY. Identifiers: Orphanet 284282, MedGen C3280452, MONDO:0013687, OMIM 614322.

Allele frequency attached by ClinVar (database versions not stated): gnomAD exomes 0.00001 and below 0.00001.
gnomAD v4.1: 3 of 1,614,140 alleles (0.00019%); highest among the groups gnomAD compares: South Asian, 0.0011%; no homozygotes.

Submissions (2):

GeneDx
Classification: Uncertain significance. Last evaluated: 2025-06-06. Review status: criteria provided, single submitter. Criteria: GeneDx Variant Classification Process June 2021. Collection method: clinical testing. Allele origin: germline. Affected: yes.
Comment: Not observed at significant frequency in large population cohorts (gnomAD); In silico analysis supports that this missense variant has a deleterious effect on protein structure/function; Has not been previously published as pathogenic or benign to our knowledge; This variant is associated with the following publications: (PMID: 25411445)

Labcorp Genetics (formerly Invitae), Labcorp
Classification: Uncertain significance for Developmental and epileptic encephalopathy, 1; Autosomal recessive spinocerebellar ataxia 12. Last evaluated: 2025-03-17. Review status: criteria provided, single submitter. Criteria: Invitae Variant Classification Sherloc (09022015). Collection method: clinical testing. Allele origin: germline.
Comment: This sequence change replaces glutamic acid, which is acidic and polar, with lysine, which is basic and polar, at codon 306 of the WWOX protein (p.Glu306Lys). This variant is present in population databases (no rsID available, gnomAD 0.0009%). This variant has not been reported in the literature in individuals affected with WWOX-related conditions. ClinVar contains an entry for this variant (Variation ID: 1041013). Invitae Evidence Modeling of protein sequence and biophysical properties (such as structural, functional, and spatial information, amino acid conservation, physicochemical variation, residue mobility, and thermodynamic stability) indicates that this missense variant is not expected to disrupt WWOX protein function with a negative predictive value of 80%. In summary, the available evidence is currently insufficient to determine the role of this variant in disease. Therefore, it has been classified as a Variant of Uncertain Significance.

NM_016373.4(WWOX):c.916G>A (p.Glu306Lys)

Gene: WWOX (WW domain containing oxidoreductase; plus strand). Cytogenetic location: 16q23.1.
Variant type: single nucleotide variant.
Coding change: c.916G>A on transcript NM_016373.4 (MANE Select); coding-DNA position 916, G replaced by A.
Protein change: p.Glu306Lys; replaces glutamic acid 306 with lysine.
Molecular consequence: missense variant.
Genome position (GRCh38, 1-based): chr16:78,432,612, G>A. VCF-style: chr16-78432612-G-A. GRCh37 (hg19) VCF-style: chr16-78466509-G-A.
Other names: c.916G>A (NM_016373.2); c.577G>A, p.Glu193Lys (NM_001291997.2); short protein forms E306K, E193K.
Identifiers: ClinVar variation 1041013 (VCV001041013.10), dbSNP rs1326472012, ClinGen allele CA396843275.